The following is an entry in ClinVar:

ClinVar aggregate classification (germline): Uncertain significance (1 of 4 stars; one submission).

Conditions:
Weill-Marchesani syndrome 1 (WMS1). Also called: Weill-Marchesani syndrome 1, recessive; ADAMTS10-Related Weill-Marchesani Syndrome; Weill-Marchesani Syndrome, Autosomal Recessive. Identifiers: Orphanet 3449, MedGen C4552002, MONDO:0010194, OMIM 277600.

Allele frequency attached by ClinVar (database versions not stated): gnomAD 0.00001; 1000 Genomes Project 0.00020; ExAC 0.00003; 1000 Genomes Project 30x 0.00016.
gnomAD v4.1: 25 of 1,613,028 alleles (0.0015%); highest among the groups gnomAD compares: South Asian, 0.024%; no homozygotes.

Submission:

Neuberg Centre For Genomic Medicine, NCGM
Classification: Uncertain significance for Weill-Marchesani syndrome 1. Review status: criteria provided, single submitter. Criteria: ACMG Guidelines, 2015. Collection method: clinical testing. Allele origin: germline. Inheritance: Autosomal recessive inheritance. Affected: yes.
Comment: The missense c.1520G>A(p.Arg507Gln) variant in ADAMTS10 gene has not been reported previously as a pathogenic variant nor a benign variant, to our knowledge. The p.Arg507Gln variant has been reported with allele frequency of 0.002% in gnomAD Exomes. This variant has not been reported to the ClinVar database. The amino acid change p.Arg507Gln in ADAMTS10 is predicted as conserved by GERP++ and PhyloP across 100 vertebrates. The amino acid Arg at position 507 is changed to a Gln changing protein sequence and it might alter its composition and physico-chemical properties. For these reasons, this variant has been classified as a Variant of Uncertain Significance (VUS).

NM_030957.4(ADAMTS10):c.1520G>A (p.Arg507Gln)

Gene: ADAMTS10 (ADAM metallopeptidase with thrombospondin type 1 motif 10; minus strand). Cytogenetic location: 19p13.2.
Variant type: single nucleotide variant.
Coding change: c.1520G>A on transcript NM_030957.4 (MANE Select); coding-DNA position 1520, G replaced by A.
Protein change: p.Arg507Gln; replaces arginine 507 with glutamine.
Molecular consequence: missense variant.
Genome position (GRCh38, 1-based): chr19:8,592,830, C>T on the plus strand (G>A on the coding strand, the complement: ADAMTS10 is on the minus strand). VCF-style: chr19-8592830-C-T. GRCh37 (hg19) VCF-style: chr19-8657714-C-T.
Other names: short protein forms R507Q.
Identifiers: ClinVar variation 2664228 (VCV002664228.1), dbSNP rs539637961, ClinGen allele CA9160487.